The following is an entry in ClinVar:

ClinVar aggregate classification (germline): Uncertain significance. Review status: criteria provided, multiple submitters, no conflicts (2 of 4 stars). 2 submissions from 2 submitters: Uncertain significance (2). Last evaluated 2022-07-29.

Conditions:
Primary ciliary dyskinesia. Also called: Ciliary dyskinesia. Identifiers: Orphanet 244, MedGen C0008780, MONDO:0016575, HP:0012265.

Allele frequency attached by ClinVar (database versions not stated): gnomAD 0.00004; ExAC 0.00005; gnomAD exomes 0.00005; TOPMed 0.00005.
gnomAD v4.1: 92 of 1,551,316 alleles (0.0059%); highest among the groups gnomAD compares: Non-Finnish European, 0.0073%; no homozygotes.

Submissions (2):

Ambry Genetics
Classification: Uncertain significance for Primary ciliary dyskinesia. Last evaluated: 2022-07-29. Review status: criteria provided, single submitter. Criteria: Ambry Variant Classification Scheme 2023. Collection method: clinical testing. Allele origin: germline.
Comment: The p.R30W variant (also known as c.88C>T), located in coding exon 2 of the CCDC114 gene, results from a C to T substitution at nucleotide position 88. The arginine at codon 30 is replaced by tryptophan, an amino acid with dissimilar properties. This amino acid position is conserved. In addition, this alteration is predicted to be tolerated by in silico analysis. Since supporting evidence is limited at this time, the clinical significance of this alteration remains unclear.

Labcorp Genetics (formerly Invitae), Labcorp
Classification: Uncertain significance for Primary ciliary dyskinesia. Last evaluated: 2021-10-17. Review status: criteria provided, single submitter. Criteria: Invitae Variant Classification Sherloc (09022015). Collection method: clinical testing. Allele origin: germline.
Comment: This sequence change replaces arginine with tryptophan at codon 30 of the CCDC114 protein (p.Arg30Trp). The arginine residue is moderately conserved and there is a moderate physicochemical difference between arginine and tryptophan. This variant is present in population databases (rs763939366, ExAC 0.01%). This variant has not been reported in the literature in individuals affected with CCDC114-related conditions. Algorithms developed to predict the effect of missense changes on protein structure and function are either unavailable or do not agree on the potential impact of this missense change (SIFT: "Deleterious"; PolyPhen-2: "Probably Damaging"; Align-GVGD: "Class C0"). In summary, the available evidence is currently insufficient to determine the role of this variant in disease. Therefore, it has been classified as a Variant of Uncertain Significance.

NM_001364171.2(ODAD1):c.199C>T (p.Arg67Trp)

Gene: ODAD1 (outer dynein arm docking complex subunit 1; minus strand). Cytogenetic location: 19q13.33.
Variant type: single nucleotide variant.
Coding change: c.199C>T on transcript NM_001364171.2 (MANE Select); coding-DNA position 199, C replaced by T.
Protein change: p.Arg67Trp; replaces arginine 67 with tryptophan.
Molecular consequence: missense variant.
Genome position (GRCh38, 1-based): chr19:48,318,548, G>A on the plus strand (C>T on the coding strand, the complement: ODAD1 is on the minus strand). VCF-style: chr19-48318548-G-A. GRCh37 (hg19) VCF-style: chr19-48821805-G-A.
Other names: c.88C>T, p.Arg30Trp (NM_144577.4); short protein forms R30W, R67W.
Identifiers: ClinVar variation 406187 (VCV000406187.6), dbSNP rs763939366, ClinGen allele CA9549078.